The following is an entry in ClinVar:

NM_001267550.2(TTN):c.82299del (p.Lys27433fs)

Genes: TTN (titin; minus strand), TTN-AS1 (TTN antisense RNA 1; plus strand). Cytogenetic location: 2q31.2.
Variant type: Deletion.
Coding change: c.82299del on transcript NM_001267550.2 (MANE Select); coding-DNA position 82299, one base deleted (A; older notation c.82299delA).
Protein change: p.Lys27433fs; shifts the reading frame from lysine 27433.
Molecular consequence: frameshift variant.
Genome position (GRCh38, 1-based): chr2:178,563,833, T deleted on the plus strand (A on the coding strand, the reverse complement: TTN is on the minus strand); the first of 3 consecutive T bases (chr2:178,563,833-178,563,835); deleting any one gives the same sequence. VCF-style (leftmost placement, unchanged base first): chr2-178563832-GT-G. GRCh37 (hg19) VCF-style: chr2-179428559-GT-G.
Other names: c.77376del, p.Lys25792fs (NM_001256850.1); c.55104del, p.Lys18368fs (NM_003319.4); c.74595del, p.Lys24865fs (NM_133378.4); c.55479del, p.Lys18493fs (NM_133432.3); c.55680del, p.Lys18560fs (NM_133437.4); short protein forms K18493fs, K24865fs, K25792fs, K18368fs, K18560fs, K27433fs.
Identifiers: ClinVar variation 1508665 (VCV001508665.8), dbSNP rs2154161694, ClinGen allele CA2573134113.

ClinVar aggregate classification (germline): Likely pathogenic (1 of 4 stars; one submission).

Conditions:
Dilated cardiomyopathy 1G (CMD1G). Identifiers: Orphanet 154, MedGen C1858763, MONDO:0011400, OMIM 604145.
Autosomal recessive limb-girdle muscular dystrophy type 2J (LGMDR10). Also called: Limb-girdle muscular dystrophy, type 2J; MUSCULAR DYSTROPHY, LIMB-GIRDLE, AUTOSOMAL RECESSIVE 10. Identifiers: Orphanet 140922, MedGen C1837342, MONDO:0012127, OMIM 608807.

Submission:

Labcorp Genetics (formerly Invitae), Labcorp
Classification: Likely pathogenic for Dilated cardiomyopathy 1G; Autosomal recessive limb-girdle muscular dystrophy type 2J. Last evaluated: 2023-10-13. Review status: criteria provided, single submitter. Criteria: Invitae Variant Classification Sherloc (09022015). Collection method: clinical testing. Allele origin: germline.
Comment: This sequence change creates a premature translational stop signal (p.Lys27433Asnfs*15) in the TTN gene. While this is not anticipated to result in nonsense mediated decay, it is expected to create a truncated TTN protein. This variant is not present in population databases (gnomAD no frequency). This variant has not been reported in the literature in individuals affected with TTN-related conditions. ClinVar contains an entry for this variant (Variation ID: 1508665). This variant is located in the A band of TTN (PMID: 25589632). Truncating variants in this region are significantly overrepresented in patients affected with dilated cardiomyopathy (PMID: 25589632). Truncating variants in this region have also been reported in individuals affected with autosomal recessive centronuclear myopathy (PMID: 23975875). In summary, the currently available evidence indicates that the variant is pathogenic, but additional data are needed to prove that conclusively. Therefore, this variant has been classified as Likely Pathogenic.

Literature cited by the submitters: PubMed 25589632; PubMed 23975875.